The following is an entry in ClinVar:

ClinVar aggregate classification (germline): Uncertain significance (1 of 4 stars; one submission).

Allele frequency attached by ClinVar (database versions not stated): ExAC 0.00001; gnomAD exomes 0.00001.
gnomAD v4.1: 5 of 1,613,430 alleles (0.00031%); highest among the groups gnomAD compares: Middle Eastern, 0.033%; no homozygotes.

Submission:

Labcorp Genetics (formerly Invitae), Labcorp
Classification: Uncertain significance. Last evaluated: 2024-05-22. Review status: criteria provided, single submitter. Criteria: Invitae Variant Classification Sherloc (09022015). Collection method: clinical testing. Allele origin: germline.
Comment: This sequence change replaces glutamic acid, which is acidic and polar, with aspartic acid, which is acidic and polar, at codon 492 of the NEFH protein (p.Glu492Asp). This variant is present in population databases (rs780622591, gnomAD 0.0009%). This variant has not been reported in the literature in individuals affected with NEFH-related conditions. ClinVar contains an entry for this variant (Variation ID: 1433083). Advanced modeling of protein sequence and biophysical properties (such as structural, functional, and spatial information, amino acid conservation, physicochemical variation, residue mobility, and thermodynamic stability) performed at Invitae indicates that this missense variant is not expected to disrupt NEFH protein function with a negative predictive value of 95%. In summary, the available evidence is currently insufficient to determine the role of this variant in disease. Therefore, it has been classified as a Variant of Uncertain Significance.

NM_021076.4(NEFH):c.1476G>C (p.Glu492Asp)

Gene: NEFH (neurofilament heavy chain; plus strand). Cytogenetic location: 22q12.2.
Variant type: single nucleotide variant.
Coding change: c.1476G>C on transcript NM_021076.4 (MANE Select); coding-DNA position 1476, G replaced by C.
Protein change: p.Glu492Asp; replaces glutamic acid 492 with aspartic acid.
Molecular consequence: missense variant.
Genome position (GRCh38, 1-based): chr22:29,489,116, G>C. VCF-style: chr22-29489116-G-C. GRCh37 (hg19) VCF-style: chr22-29885105-G-C.
Other names: short protein forms E492D.
Identifiers: ClinVar variation 1433083 (VCV001433083.6), dbSNP rs780622591, ClinGen allele CA10174218.